The following is an entry in ClinVar:

ClinVar aggregate classification (germline): Uncertain significance (1 of 4 stars; one submission).

Conditions:
Inborn genetic diseases. Identifiers: MedGen C0950123, MeSH D030342.

gnomAD v4.1: 14 of 1,613,882 alleles (0.00087%); highest among the groups gnomAD compares: South Asian, 0.015%; no homozygotes.

Submission:

Ambry Genetics
Classification: Uncertain significance for Inborn genetic diseases. Last evaluated: 2024-11-26. Review status: criteria provided, single submitter. Criteria: Ambry Variant Classification Scheme 2023. Collection method: clinical testing. Allele origin: germline.
Comment: The p.E793K variant (also known as c.2377G>A), located in coding exon 26 of the FANCA gene, results from a G to A substitution at nucleotide position 2377. The glutamic acid at codon 793 is replaced by lysine, an amino acid with similar properties. This amino acid position is conserved. In addition, the in silico prediction for this alteration is inconclusive. Based on the available evidence, the clinical significance of this variant remains unclear.

NM_000135.4(FANCA):c.2377G>A (p.Glu793Lys)

Gene: FANCA (FA complementation group A; minus strand). Cytogenetic location: 16q24.3.
Variant type: single nucleotide variant.
Coding change: c.2377G>A on transcript NM_000135.4 (MANE Select); coding-DNA position 2377, G replaced by A.
Protein change: p.Glu793Lys; replaces glutamic acid 793 with lysine.
Molecular consequence: missense variant.
Genome position (GRCh38, 1-based): chr16:89,769,964, C>T on the plus strand (G>A on the coding strand, the complement: FANCA is on the minus strand). VCF-style: chr16-89769964-C-T. GRCh37 (hg19) VCF-style: chr16-89836372-C-T.
Other names: c.2377G>A, p.Glu793Lys (NM_001286167.3); short protein forms E793K.
Identifiers: ClinVar variation 3512680 (VCV003512680.1).